The following is an entry in ClinVar:

ClinVar aggregate classification (germline): Uncertain significance (1 of 4 stars; one submission).

Submission:

GeneDx
Classification: Uncertain significance. Last evaluated: 2019-07-20. Review status: criteria provided, single submitter. Criteria: GeneDx Variant Classification Process June 2021. Collection method: clinical testing. Allele origin: germline. Affected: yes.
Comment: Not observed in large population cohorts (Lek et al., 2016); In silico analysis, which includes protein predictors and evolutionary conservation, supports a deleterious effect; Has not been previously published as pathogenic or benign to our knowledge

NM_153252.5(BRWD3):c.1282A>G (p.Met428Val)

Gene: BRWD3 (bromodomain and WD repeat domain containing 3; minus strand). Cytogenetic location: Xq21.1.
Variant type: single nucleotide variant.
Coding change: c.1282A>G on transcript NM_153252.5 (MANE Select); coding-DNA position 1282, A replaced by G.
Protein change: p.Met428Val; replaces methionine 428 with valine.
Molecular consequence: missense variant.
Genome position (GRCh38, 1-based): chrX:80,728,856, T>C on the plus strand (A>G on the coding strand, the complement: BRWD3 is on the minus strand). VCF-style: chrX-80728856-T-C. GRCh37 (hg19) VCF-style: chrX-79984355-T-C.
Other names: short protein forms M428V.
Identifiers: ClinVar variation 1306675 (VCV001306675.2), dbSNP rs2073286211, ClinGen allele CA413635565.
Genomic context (GRCh38, chrX:80,728,856, plus strand): 5'-TCAAAAGAAAATTGTTCACTGCAGTAATAACTGTGGTATCATAGCGATCCCAGGCCACCA[T>C]AGTCACCTTAAGTTTAGTGATCTTGTCTTCTCCAGATGGCAAATTATTGCTAAACAAAAC-3'
Protein context (NP_694984.5, residues 418-438): EDKITKLKVT[Met428Val]VAWDRYDTTV